The following is an entry in ClinVar:

NM_001030.6(RPS27):c.214A>G (p.Arg72Gly)

Genes: RPS27 (ribosomal protein S27; plus strand), LOC126805872 (BRD4-independent group 4 enhancer GRCh37_chr1:153962963-153964162; plus strand). Cytogenetic location: 1q21.3.
Variant type: single nucleotide variant.
Coding change: c.214A>G on transcript NM_001030.6 (MANE Select); coding-DNA position 214, A replaced by G.
Protein change: p.Arg72Gly; replaces arginine 72 with glycine.
Molecular consequence: missense variant.
Genome position (GRCh38, 1-based): chr1:153,991,664, A>G. VCF-style: chr1-153991664-A-G. GRCh37 (hg19) VCF-style: chr1-153964140-A-G.
Other names: c.118A>G, p.Arg40Gly (NM_001349946.2, NM_001349947.2); short protein forms R40G, R72G.
Identifiers: ClinVar variation 2867415 (VCV002867415.3), dbSNP rs1396913427, ClinGen allele CA342588158.

ClinVar aggregate classification (germline): Uncertain significance (1 of 4 stars; one submission).

Allele frequency attached by ClinVar (database versions not stated): gnomAD 0.00001; TOPMed 0.00001.

Submission:

Labcorp Genetics (formerly Invitae), Labcorp
Classification: Uncertain significance. Last evaluated: 2024-06-11. Review status: criteria provided, single submitter. Criteria: Invitae Variant Classification Sherloc (09022015). Collection method: clinical testing. Allele origin: germline.
Comment: This sequence change replaces arginine, which is basic and polar, with glycine, which is neutral and non-polar, at codon 72 of the RPS27 protein (p.Arg72Gly). This variant is not present in population databases (gnomAD no frequency). This variant has not been reported in the literature in individuals affected with RPS27-related conditions. An algorithm developed to predict the effect of missense changes on protein structure and function (PolyPhen-2) suggests that this variant is likely to be tolerated. In summary, the available evidence is currently insufficient to determine the role of this variant in disease. Therefore, it has been classified as a Variant of Uncertain Significance.